The following is an entry in ClinVar:

NM_004104.5(FASN):c.4576G>A (p.Glu1526Lys)

Gene: FASN (fatty acid synthase; minus strand). Cytogenetic location: 17q25.3.
Variant type: single nucleotide variant.
Coding change: c.4576G>A on transcript NM_004104.5 (MANE Select); coding-DNA position 4576, G replaced by A.
Protein change: p.Glu1526Lys; replaces glutamic acid 1526 with lysine.
Molecular consequence: missense variant.
Genome position (GRCh38, 1-based): chr17:82,084,705, C>T on the plus strand (G>A on the coding strand, the complement: FASN is on the minus strand). VCF-style: chr17-82084705-C-T. GRCh37 (hg19) VCF-style: chr17-80042581-C-T.
Other names: c.4576G>A (NM_004104.4); short protein forms E1526K.
Identifiers: ClinVar variation 2155872 (VCV002155872.5), dbSNP rs763697243, ClinGen allele CA8852006.

ClinVar aggregate classification (germline): Uncertain significance. Review status: criteria provided, multiple submitters, no conflicts (2 of 4 stars). 2 submissions from 2 submitters: Uncertain significance (2). Last evaluated 2025-07-15.

Conditions:
Epileptic encephalopathy. Identifiers: MedGen C0543888, HP:0200134.

Allele frequency attached by ClinVar (database versions not stated): gnomAD exomes 0.00001; TOPMed 0.00001; gnomAD 0.00002; ExAC 0.00007.
gnomAD v4.1: 17 of 1,564,092 alleles (0.0011%); highest among the groups gnomAD compares: South Asian, 0.014%; no homozygotes.

Submissions (2):

Ambry Genetics
Classification: Uncertain significance. Last evaluated: 2025-07-15. Review status: criteria provided, single submitter. Criteria: Ambry Variant Classification Scheme 2023. Collection method: clinical testing. Allele origin: germline.

Labcorp Genetics (formerly Invitae), Labcorp
Classification: Uncertain significance for Epileptic encephalopathy. Last evaluated: 2024-01-17. Review status: criteria provided, single submitter. Criteria: Invitae Variant Classification Sherloc (09022015). Collection method: clinical testing. Allele origin: germline.
Comment: This sequence change replaces glutamic acid, which is acidic and polar, with lysine, which is basic and polar, at codon 1526 of the FASN protein (p.Glu1526Lys). This variant is present in population databases (rs763697243, gnomAD 0.01%). This variant has not been reported in the literature in individuals affected with FASN-related conditions. ClinVar contains an entry for this variant (Variation ID: 2155872). An algorithm developed to predict the effect of missense changes on protein structure and function (PolyPhen-2) suggests that this variant is likely to be tolerated. In summary, the available evidence is currently insufficient to determine the role of this variant in disease. Therefore, it has been classified as a Variant of Uncertain Significance.